The following is an entry in ClinVar:

ClinVar aggregate classification (germline): Likely pathogenic (1 of 4 stars; one submission).

Submission:

GeneDx
Classification: Likely pathogenic. Last evaluated: 2016-05-23. Review status: criteria provided, single submitter. Criteria: GeneDx Variant Classification (06012015). Collection method: clinical testing. Allele origin: germline. Affected: yes.
Comment: The M630L variant has not been published as a pathogenic variant, nor has it been reported as a benign variant to our knowledge. The variant was not observed in approximately 6,500 individuals of European and African American ancestry in the NHLBI Exome Sequencing Project, indicating it is not a common benign variant in these populations. M630L is a conservative amino acid substitution, which is not likely to impact secondary protein structure as these residues share similar properties. However, this substitution occurs at a position that is conserved across species, and in silico analysis predicts this variant is probably damaging to the protein structure/function. Missense variants in the same codon (M630V/T/R/K) and in nearby residues (V626G, C633Y, W634L/S/C) have been reported in the Human Gene Mutation Database in association with agammaglobulinemia (Stenson et al., 2014), supporting the functional importance of this region of the protein. Therefore, this variant is likely pathogenic; however, the possibility that it is benign cannot be excluded.

NM_000061.3(BTK):c.1888A>C (p.Met630Leu)

Gene: BTK (Bruton tyrosine kinase; minus strand). Cytogenetic location: Xq22.1.
Variant type: single nucleotide variant.
Coding change: c.1888A>C on transcript NM_000061.3 (MANE Select); coding-DNA position 1888, A replaced by C.
Protein change: p.Met630Leu; replaces methionine 630 with leucine.
Molecular consequence: missense variant.
Genome position (GRCh38, 1-based): chrX:101,353,214, T>G on the plus strand (A>C on the coding strand, the complement: BTK is on the minus strand). VCF-style: chrX-101353214-T-G. GRCh37 (hg19) VCF-style: chrX-100608202-T-G.
Other names: c.1990A>C, p.Met664Leu (NM_001287344.2); c.1360A>C, p.Met454Leu (NM_001287345.2); short protein forms M630L, M454L, M664L.
Identifiers: ClinVar variation 421091 (VCV000421091.2), dbSNP rs1064794904, ClinGen allele CA16621155.